The following is an entry in ClinVar:

NM_004329.3(BMPR1A):c.868+9A>G

Gene: BMPR1A (bone morphogenetic protein receptor type 1A; plus strand). Cytogenetic location: 10q23.2.
Variant type: single nucleotide variant.
Coding change: c.868+9A>G on transcript NM_004329.3 (MANE Select); 9 bases into the intron after coding-DNA position 868, A replaced by G.
Molecular consequence: intron variant.
Genome position (GRCh38, 1-based): chr10:86,917,335, A>G. VCF-style: chr10-86917335-A-G. GRCh37 (hg19) VCF-style: chr10-88677092-A-G.
Identifiers: ClinVar variation 491017 (VCV000491017.13), dbSNP rs766298777, ClinGen allele CA5585615.

ClinVar aggregate classification (germline): Conflicting classifications of pathogenicity. Review status: criteria provided, conflicting classifications (1 of 4 stars). 3 submissions from 3 submitters: Uncertain significance (2); Likely benign (1). Last evaluated 2025-10-27.

Conditions:
Juvenile polyposis syndrome (JPS). Identifiers: Orphanet 2929, MedGen C0345893, MONDO:0017380, OMIM 174900.
Hereditary cancer-predisposing syndrome. Also called: Tumor predisposition; Neoplastic Syndromes, Hereditary; Hereditary Cancer Syndrome; Hereditary neoplastic syndrome. Identifiers: Orphanet 140162, MedGen C0027672, MeSH D009386, MONDO:0015356.

Allele frequency attached by ClinVar (database versions not stated): ExAC 0.00001; gnomAD 0.00001; gnomAD exomes 0.00001; TOPMed 0.00001.
gnomAD v4.1: 5 of 1,613,998 alleles (0.00031%); highest among the groups gnomAD compares: Admixed American, 0.0067%; no homozygotes.

Submissions (3):

Labcorp Genetics (formerly Invitae), Labcorp
Classification: Uncertain significance for Juvenile polyposis syndrome. Last evaluated: 2025-10-27. Review status: criteria provided, single submitter. Criteria: Invitae Variant Classification Sherloc (09022015). Collection method: clinical testing. Allele origin: germline.
Comment: This sequence change falls in intron 9 of the BMPR1A gene. It does not directly change the encoded amino acid sequence of the BMPR1A protein. This variant is present in population databases (rs766298777, gnomAD 0.006%). This variant has not been reported in the literature in individuals affected with BMPR1A-related conditions. ClinVar contains an entry for this variant (Variation ID: 491017). Studies have shown that this variant is associated with inconclusive levels of altered splicing (internal data). In summary, the available evidence is currently insufficient to determine the role of this variant in disease. Therefore, it has been classified as a Variant of Uncertain Significance.

Myriad Genetics, Inc.
Classification: Likely benign for Juvenile polyposis syndrome. Last evaluated: 2024-08-05. Review status: criteria provided, single submitter. Criteria: Myriad Autosomal Dominant, Autosomal Recessive and X-Linked Classification Criteria (2023). Collection method: clinical testing. Allele origin: unknown.
Comment: This variant is considered likely benign. This variant is intronic and is not expected to impact mRNA splicing.

Color Diagnostics, LLC DBA Color Health
Classification: Uncertain significance for Hereditary cancer-predisposing syndrome. Last evaluated: 2019-04-12. Review status: criteria provided, single submitter. Criteria: ACMG Guidelines, 2015. Collection method: clinical testing. Allele origin: germline.